The following is an entry in ClinVar:

NM_000492.4(CFTR):c.3678A>G (p.Ile1226Met)

Genes: CFTR (CF transmembrane conductance regulator; plus strand), CFTR-AS2 (CFTR antisense RNA 2; minus strand). Cytogenetic location: 7q31.2.
Variant type: single nucleotide variant.
Coding change: c.3678A>G on transcript NM_000492.4 (MANE Select); coding-DNA position 3678, A replaced by G.
Protein change: p.Ile1226Met; replaces isoleucine 1226 with methionine.
Molecular consequence: missense variant.
Genome position (GRCh38, 1-based): chr7:117,627,731, A>G. VCF-style: chr7-117627731-A-G. GRCh37 (hg19) VCF-style: chr7-117267785-A-G.
Other names: short protein forms I1226M.
Identifiers: ClinVar variation 3491692 (VCV003491692.1).

ClinVar aggregate classification (germline): Uncertain significance (1 of 4 stars; one submission).

Conditions:
Cystic fibrosis (CF). Also called: MUCOVISCIDOSIS. Identifiers: Orphanet 586, MedGen C0010674, MONDO:0009061, OMIM 219700. Disease mechanism: loss of function.

Submission:

Ambry Genetics
Classification: Uncertain significance for Cystic fibrosis. Last evaluated: 2024-11-02. Review status: criteria provided, single submitter. Criteria: Ambry Variant Classification Scheme 2023. Collection method: clinical testing. Allele origin: germline.
Comment: The p.I1226M variant (also known as c.3678A>G), located in coding exon 22 of the CFTR gene, results from an A to G substitution at nucleotide position 3678. The isoleucine at codon 1226 is replaced by methionine, an amino acid with highly similar properties. This amino acid position is conserved. In addition, the in silico prediction for this alteration is inconclusive. Based on the available evidence, the clinical significance of this variant remains unclear.